The following is an entry in ClinVar:

ClinVar aggregate classification (germline): Uncertain significance. Review status: criteria provided, multiple submitters, no conflicts (2 of 4 stars). 3 submissions from 3 submitters: Uncertain significance (3). Last evaluated 2026-08-24.

Conditions:
Short-rib thoracic dysplasia 13 with or without polydactyly (SRTD13). Identifiers: Orphanet 474, MedGen C4225378, MONDO:0014577, OMIM 616300.
CEP120-related disorder. Also called: CEP120-Related Disorders; CEP120-related condition.

Allele frequency attached by ClinVar (database versions not stated): gnomAD exomes 0.00006; ExAC 0.00010; 1000 Genomes Project 0.00020; TOPMed 0.00029; gnomAD 0.00036; ESP Exome Variant Server 0.00038; 1000 Genomes Project 30x 0.00062.
gnomAD v4.1: 148 of 1,613,724 alleles (0.0092%); highest among the groups gnomAD compares: African/African-American, 0.1%; no homozygotes.

Submissions (3):

PreventionGenetics, part of Exact Sciences
Classification: Uncertain significance for CEP120-related condition. Last evaluated: 2026-08-24. Review status: criteria provided, single submitter. Criteria: ACMG Guidelines, 2015. Collection method: clinical testing. Allele origin: germline.
Comment: The CEP120 c.2707A>G variant is predicted to result in the amino acid substitution p.Ile903Val. To our knowledge, this variant has not been reported in the literature. This variant is reported in 0.12% of alleles in individuals of African descent in gnomAD. Although we suspect that this variant may be benign, at this time, the clinical significance of this variant is uncertain due to the absence of conclusive functional and genetic evidence.

Blueprint Genetics
Classification: Uncertain significance. Last evaluated: 2024-10-28. Review status: criteria provided, single submitter. Criteria: ACMG Guidelines, 2015. Collection method: clinical testing. Allele origin: germline.

Labcorp Genetics (formerly Invitae), Labcorp
Classification: Uncertain significance for Short-rib thoracic dysplasia 13 with or without polydactyly. Last evaluated: 2022-07-19. Review status: criteria provided, single submitter. Criteria: Invitae Variant Classification Sherloc (09022015). Collection method: clinical testing. Allele origin: germline.
Comment: This sequence change replaces isoleucine, which is neutral and non-polar, with valine, which is neutral and non-polar, at codon 903 of the CEP120 protein (p.Ile903Val). This variant is present in population databases (rs138517071, gnomAD 0.1%). This variant has not been reported in the literature in individuals affected with CEP120-related conditions. Algorithms developed to predict the effect of missense changes on protein structure and function are either unavailable or do not agree on the potential impact of this missense change (SIFT: "Deleterious"; PolyPhen-2: "Possibly Damaging"; Align-GVGD: "Class C0"). Algorithms developed to predict the effect of sequence changes on RNA splicing suggest that this variant may create or strengthen a splice site. In summary, the available evidence is currently insufficient to determine the role of this variant in disease. Therefore, it has been classified as a Variant of Uncertain Significance.

NM_001375405.1(CEP120):c.2707A>G (p.Ile903Val)

Gene: CEP120 (centrosomal protein 120; minus strand). Cytogenetic location: 5q23.2.
Variant type: single nucleotide variant.
Coding change: c.2707A>G on transcript NM_001375405.1 (MANE Select); coding-DNA position 2707, A replaced by G.
Protein change: p.Ile903Val; replaces isoleucine 903 with valine.
Molecular consequence: missense variant. On other transcripts: non-coding transcript variant (1).
Genome position (GRCh38, 1-based): chr5:123,349,963, T>C on the plus strand (A>G on the coding strand, the complement: CEP120 is on the minus strand). VCF-style: chr5-123349963-T-C. GRCh37 (hg19) VCF-style: chr5-122685657-T-C.
Other names: c.2629A>G, p.Ile877Val (NM_001166226.2); c.2572A>G, p.Ile858Val (NM_001375406.1); c.2707A>G, p.Ile903Val (NM_001375407.1, NM_153223.4); c.2134A>G, p.Ile712Val (NM_001375408.1, NM_001375409.1); c.2707A>G (NM_153223.3); short protein forms I858V, I877V, I903V, I712V.
Identifiers: ClinVar variation 2053614 (VCV002053614.3), dbSNP rs138517071, ClinGen allele CA3386551.
Genomic context (GRCh38, chr5:123,349,963, plus strand): 5'-CAAACTTTGGCTTTTGAAAGAAACACTTTTAGTTATTATACCTGTTCAATTCATTTCTTA[T>C]ATCCAACAATTCTTGTCGCTCGGTTTTTACTGTATCTTTTTCCTCAGCGGCAAGGTAACG-3'
Protein context (NP_001362334.1, residues 893-913): VKTERQELLD[Ile903Val]RNELNRLRQQ